The following is an entry in ClinVar:

NM_000059.4(BRCA2):c.9997C>A (p.Leu3333Ile)

Gene: BRCA2 (BRCA2 DNA repair associated; plus strand). Cytogenetic location: 13q13.1.
Variant type: single nucleotide variant.
Coding change: c.9997C>A on transcript NM_000059.4 (MANE Select); coding-DNA position 9997, C replaced by A.
Protein change: p.Leu3333Ile; replaces leucine 3333 with isoleucine.
Molecular consequence: missense variant.
Genome position (GRCh38, 1-based): chr13:32,398,510, C>A. VCF-style: chr13-32398510-C-A. GRCh37 (hg19) VCF-style: chr13-32972647-C-A.
Other names: c.9901C>A, p.Leu3301Ile (NM_001406719.1); c.9946C>A, p.Leu3316Ile (NM_001406720.1); c.5065C>A, p.Leu1689Ile (NM_001406721.1); c.3580C>A, p.Leu1194Ile (NM_001406722.1); short protein forms L1194I, L3316I, L3333I, L1689I, L3301I.
Identifiers: ClinVar variation 1768832 (VCV001768832.2), dbSNP rs567476314, ClinGen allele CA387767650.

ClinVar aggregate classification (germline): Uncertain significance (1 of 4 stars; one submission).

Conditions:
Hereditary cancer-predisposing syndrome. Also called: Hereditary Cancer Syndrome; Hereditary neoplastic syndrome; Neoplastic Syndromes, Hereditary; Tumor predisposition. Identifiers: Orphanet 140162, MedGen C0027672, MeSH D009386, MONDO:0015356.

Submission:

Ambry Genetics
Classification: Uncertain significance for Hereditary cancer-predisposing syndrome. Last evaluated: 2018-12-27. Review status: criteria provided, single submitter. Criteria: Ambry Variant Classification Scheme 2023. Collection method: clinical testing. Allele origin: germline.
Comment: The p.L3333I variant (also known as c.9997C>A), located in coding exon 26 of the BRCA2 gene, results from a C to A substitution at nucleotide position 9997. The leucine at codon 3333 is replaced by isoleucine, an amino acid with highly similar properties. This amino acid position is not well conserved in available vertebrate species. In addition, this alteration is predicted to be tolerated by in silico analysis. Since supporting evidence is limited at this time, the clinical significance of this alteration remains unclear.